The following is an entry in ClinVar:

ClinVar aggregate classification (germline): Uncertain significance. Review status: criteria provided, multiple submitters, no conflicts (2 of 4 stars). 2 submissions from 2 submitters: Uncertain significance (2). Last evaluated 2026-08-13.

Conditions:
Inborn genetic diseases. Identifiers: MedGen C0950123, MeSH D030342.

Submissions (2):

Ambry Genetics
Classification: Uncertain significance for Inborn genetic diseases. Last evaluated: 2026-08-13. Review status: criteria provided, single submitter. Criteria: Ambry Variant Classification Scheme 2023. Collection method: clinical testing. Allele origin: germline.
Comment: The c.4G>C (p.G2R) alteration is located in exon 1 (coding exon 1) of the PLP1 gene. This alteration results from a G to C substitution at nucleotide position 4, causing the glycine (G) at amino acid position 2 to be replaced by an arginine (R). This variant was not reported in population-based cohorts in the Genome Aggregation Database (gnomAD). This amino acid position is highly conserved in available vertebrate species. This alteration is predicted to be deleterious by in silico analysis. Based on insufficient or conflicting evidence, the clinical significance of this alteration remains unclear.

GeneDx
Classification: Uncertain significance. Last evaluated: 2023-01-17. Review status: criteria provided, single submitter. Criteria: GeneDx Variant Classification Process June 2021. Collection method: clinical testing. Allele origin: germline. Affected: yes.
Comment: Not observed at significant frequency in large population cohorts (gnomAD); Missense variants in this gene are often considered pathogenic (HGMD); In silico analysis supports that this missense variant has a deleterious effect on protein structure/function; Has not been previously published as pathogenic or benign to our knowledge

NM_000533.5(PLP1):c.4G>C (p.Gly2Arg)

Genes: PLP1 (proteolipid protein 1; plus strand), RAB9B (RAB9B, member RAS oncogene family; minus strand). Cytogenetic location: Xq22.2.
Variant type: single nucleotide variant.
Coding change: c.4G>C on transcript NM_000533.5 (MANE Select); coding-DNA position 4, G replaced by C.
Protein change: p.Gly2Arg; replaces glycine 2 with arginine.
Molecular consequence: missense variant.
Genome position (GRCh38, 1-based): chrX:103,776,999, G>C. VCF-style: chrX-103776999-G-C. GRCh37 (hg19) VCF-style: chrX-103031927-G-C.
Other names: c.4G>C, p.Gly2Arg (NM_001128834.3, NM_199478.3); c.4G>C, p.Asp2His (NM_001305004.1); short protein forms D2H, G2R.
Identifiers: ClinVar variation 2572698 (VCV002572698.2), dbSNP rs2522269017, ClinGen allele CA414101589.